The following is an entry in ClinVar:

NM_001383.6(DPH1):c.561A>G (p.Ala187=)

Gene: DPH1 (diphthamide biosynthesis 1; plus strand). Cytogenetic location: 17p13.3.
Variant type: single nucleotide variant.
Coding change: c.561A>G on transcript NM_001383.6 (MANE Select); coding-DNA position 561, A replaced by G.
Protein change: p.Ala187=; no amino-acid change (alanine 187 retained).
Molecular consequence: synonymous variant. On other transcripts: non-coding transcript variant (3).
Genome position (GRCh38, 1-based): chr17:2,036,837, A>G. VCF-style: chr17-2036837-A-G. GRCh37 (hg19) VCF-style: chr17-1940131-A-G.
Other names: c.576A>G, p.Ala192= (NM_001346574.1); c.543A>G, p.Ala181= (NM_001346575.1); c.156A>G, p.Ala52= (NM_001346576.2); c.576A>G (NM_001383.4).
Identifiers: ClinVar variation 740500 (VCV000740500.5), dbSNP rs369168445, ClinGen allele CA8277050.
Genomic context (GRCh38, chr17:2,036,837, plus strand): 5'-CTCAGCCCTGGCTCTCCTGCCCCAGCCGCTGGCTTCACTTCCCTCGTCATTCCTACAGGC[A>G]GCCGCCCAGGAGCTGAAAGCCGAGTATCGTGTGAGTGTCCCACAGTGCAAGCCCCTGTCC-3'
Protein context (NP_001374.4, residues 177-197): STIQFVSTLQ[Ala187=]AAQELKAEYR

ClinVar aggregate classification (germline): Likely benign. Review status: criteria provided, single submitter (1 of 4 stars). 2 submissions from 2 submitters: Likely benign (1). 1 of the submissions does not count toward it. Last evaluated 2018-05-18.

Conditions:
DPH1-related disorder. Also called: DPH1-related condition.

Allele frequency attached by ClinVar (database versions not stated): gnomAD exomes 0.00003 and 0.00005; ExAC 0.00010; 1000 Genomes Project 30x 0.00016; 1000 Genomes Project 0.00020; ESP Exome Variant Server 0.00024; gnomAD 0.00027 and 0.00029; TOPMed 0.00029.
gnomAD v4.1: 88 of 1,613,436 alleles (0.0055%); highest among the groups gnomAD compares: African/African-American, 0.11%; no homozygotes.

Submissions (2):

Labcorp Genetics (formerly Invitae), Labcorp
Classification: Likely benign. Last evaluated: 2018-05-18. Review status: criteria provided, single submitter. Criteria: Invitae Variant Classification Sherloc (09022015). Collection method: clinical testing. Allele origin: germline.

PreventionGenetics, part of Exact Sciences
Classification: Likely benign for DPH1-related condition. Last evaluated: 2019-03-04. Review status: no assertion criteria provided. Collection method: clinical testing. Allele origin: germline. Not counted in ClinVar's aggregate classification.
Comment: This variant is classified as likely benign based on ACMG/AMP sequence variant interpretation guidelines (Richards et al. 2015 PMID: 25741868, with internal and published modifications).